The following is an entry in ClinVar:

NM_004360.5(CDH1):c.2096A>G (p.Gln699Arg)

Gene: CDH1 (cadherin 1; plus strand). Cytogenetic location: 16q22.1.
Variant type: single nucleotide variant.
Coding change: c.2096A>G on transcript NM_004360.5 (MANE Select); coding-DNA position 2096, A replaced by G.
Protein change: p.Gln699Arg; replaces glutamine 699 with arginine.
Molecular consequence: missense variant.
Genome position (GRCh38, 1-based): chr16:68,823,558, A>G. VCF-style: chr16-68823558-A-G. GRCh37 (hg19) VCF-style: chr16-68857461-A-G.
Other names: c.1913A>G, p.Gln638Arg (NM_001317184.2); c.548A>G, p.Gln183Arg (NM_001317185.2); c.131A>G, p.Gln44Arg (NM_001317186.2); short protein forms Q183R, Q638R, Q699R, Q44R.
Identifiers: ClinVar variation 3643669 (VCV003643669.2).

ClinVar aggregate classification (germline): Uncertain significance (1 of 4 stars; one submission).

Conditions:
Hereditary diffuse gastric adenocarcinoma (HDGC). Also called: DIFFUSE GASTRIC AND LOBULAR BREAST CANCER SYNDROME. Identifiers: Orphanet 26106, MedGen C1708349, MONDO:0007648, OMIM 137215.

gnomAD v4.1: 1 of 1,614,028 alleles (0.000062%); highest among the groups gnomAD compares: South Asian, 0.0011%; no homozygotes.

Submission:

Labcorp Genetics (formerly Invitae), Labcorp
Classification: Uncertain significance for Hereditary diffuse gastric adenocarcinoma. Last evaluated: 2024-02-29. Review status: criteria provided, single submitter. Criteria: Invitae Variant Classification Sherloc (09022015). Collection method: clinical testing. Allele origin: germline.
Comment: This sequence change replaces glutamine, which is neutral and polar, with arginine, which is basic and polar, at codon 699 of the CDH1 protein (p.Gln699Arg). This variant is not present in population databases (gnomAD no frequency). This variant has not been reported in the literature in individuals affected with CDH1-related conditions. An algorithm developed to predict the effect of missense changes on protein structure and function (PolyPhen-2) suggests that this variant is likely to be tolerated. In summary, the available evidence is currently insufficient to determine the role of this variant in disease. Therefore, it has been classified as a Variant of Uncertain Significance.